The following is an entry in ClinVar:

ClinVar aggregate classification (germline): Uncertain significance (1 of 4 stars; one submission).

Conditions:
O'Donnell-Luria-Rodan syndrome (ODLURO). Also called: KMT2E-Related Neurodevelopmental Disorder. Identifiers: MedGen C5193138, MONDO:0032793, OMIM 618512.

Submission:

Neuberg Centre For Genomic Medicine, NCGM
Classification: Uncertain significance for O'Donnell-Luria-Rodan syndrome. Last evaluated: 2024-02-01. Review status: criteria provided, single submitter. Criteria: ACMG Guidelines, 2015. Collection method: clinical testing. Allele origin: germline. Inheritance: Autosomal dominant inheritance.
Comment: The amino acid Gly at position 1665 is changed to a Ala changing protein sequence and it might alter its composition and physico-chemical properties. The classification is based on ACMG rules, with the supporting clinical evidence rules (PM2,PP2,PP3). For these reasons, this variant has been classified as uncertain significance

NM_182931.3(KMT2E):c.4994G>C (p.Gly1665Ala)

Gene: KMT2E (lysine methyltransferase 2E (inactive); plus strand). Cytogenetic location: 7q22.3.
Variant type: single nucleotide variant.
Coding change: c.4994G>C on transcript NM_182931.3 (MANE Select); coding-DNA position 4994, G replaced by C.
Protein change: p.Gly1665Ala; replaces glycine 1665 with alanine.
Molecular consequence: missense variant.
Genome position (GRCh38, 1-based): chr7:105,112,750, G>C. VCF-style: chr7-105112750-G-C. GRCh37 (hg19) VCF-style: chr7-104753197-G-C.
Other names: c.4868G>C, p.Gly1623Ala (NM_001410908.1); c.4994G>C, p.Gly1665Ala (NM_018682.4); short protein forms G1623A, G1665A.
Identifiers: ClinVar variation 3898015 (VCV003898015.1).